The following is an entry in ClinVar:

ClinVar aggregate classification (germline): Uncertain significance (1 of 4 stars; one submission).

Conditions:
Hypogonadotropic hypogonadism 2 with or without anosmia (HH2). Also called: HYPOGONADOTROPIC HYPOGONADISM 2 WITHOUT ANOSMIA, SUSCEPTIBILITY TO; FGFR1-Related GnRH Deficiency (Kallmann Syndrome 2); HYPOGONADOTROPIC HYPOGONADISM 2 WITHOUT ANOSMIA; HYPOGONADOTROPIC HYPOGONADISM 2 WITH OR WITHOUT ANOSMIA, SUSCEPTIBILITY TO. Identifiers: Orphanet 478, MedGen C1563720, MONDO:0007844, OMIM 147950. Disease mechanism: loss of function.
Pfeiffer syndrome (ACS5). Also called: ACS V. Identifiers: Orphanet 710, MedGen C0220658, MONDO:0007043, OMIM 101600.

Submission:

Labcorp Genetics (formerly Invitae), Labcorp
Classification: Uncertain significance for Pfeiffer syndrome; Hypogonadotropic hypogonadism 2 with or without anosmia. Last evaluated: 2025-06-08. Review status: criteria provided, single submitter. Criteria: Invitae Variant Classification Sherloc (09022015). Collection method: clinical testing. Allele origin: germline.
Comment: This sequence change replaces arginine, which is basic and polar, with glutamine, which is neutral and polar, at codon 675 of the FGFR1 protein (p.Arg675Gln). This variant is present in population databases (no rsID available, gnomAD 0.004%). This variant has not been reported in the literature in individuals affected with FGFR1-related conditions. ClinVar contains an entry for this variant (Variation ID: 1958021). Invitae Evidence Modeling of protein sequence and biophysical properties (such as structural, functional, and spatial information, amino acid conservation, physicochemical variation, residue mobility, and thermodynamic stability) indicates that this missense variant is not expected to disrupt FGFR1 protein function with a negative predictive value of 80%. In summary, the available evidence is currently insufficient to determine the role of this variant in disease. Therefore, it has been classified as a Variant of Uncertain Significance.

NM_023110.3(FGFR1):c.2024G>A (p.Arg675Gln)

Gene: FGFR1 (fibroblast growth factor receptor 1; minus strand). Cytogenetic location: 8p11.23.
Variant type: single nucleotide variant.
Coding change: c.2024G>A on transcript NM_023110.3 (MANE Select); coding-DNA position 2024, G replaced by A.
Protein change: p.Arg675Gln; replaces arginine 675 with glutamine.
Molecular consequence: missense variant.
Genome position (GRCh38, 1-based): chr8:38,414,583, C>T on the plus strand (G>A on the coding strand, the complement: FGFR1 is on the minus strand). VCF-style: chr8-38414583-C-T. GRCh37 (hg19) VCF-style: chr8-38272101-C-T.
Other names: c.2024G>A, p.Arg675Gln (NM_000604.2); c.2018G>A, p.Arg673Gln (NM_001174063.2, NM_001174065.2, NM_001354367.2 and 1 more transcripts); c.1994G>A, p.Arg665Gln (NM_001174064.2); c.1757G>A, p.Arg586Gln (NM_001174066.2, NM_023105.3); c.2117G>A, p.Arg706Gln (NM_001174067.2); c.1745G>A, p.Arg582Gln (NM_001354368.2); c.2012G>A, p.Arg671Gln (NM_001354369.2, NM_001410922.1); c.1751G>A, p.Arg584Gln (NM_001354370.2, NM_023106.3); short protein forms R671Q, R673Q, R586Q, R675Q, R582Q, R584Q, R665Q, R706Q.
Identifiers: ClinVar variation 1958021 (VCV001958021.5), dbSNP rs771078736, ClinGen allele CA370729514.